The following is an entry in ClinVar:

NM_001099274.3(TINF2):c.1033G>C (p.Val345Leu)

Gene: TINF2 (TERF1 interacting nuclear factor 2; minus strand). Cytogenetic location: 14q12.
Variant type: single nucleotide variant.
Coding change: c.1033G>C on transcript NM_001099274.3 (MANE Select); coding-DNA position 1033, G replaced by C.
Protein change: p.Val345Leu; replaces valine 345 with leucine.
Molecular consequence: missense variant.
Genome position (GRCh38, 1-based): chr14:24,240,447, C>G on the plus strand (G>C on the coding strand, the complement: TINF2 is on the minus strand). VCF-style: chr14-24240447-C-G. GRCh37 (hg19) VCF-style: chr14-24709653-C-G.
Other names: c.928G>C, p.Val310Leu (NM_001363668.2); c.1033G>C, p.Val345Leu (NM_012461.3); short protein forms V345L, V310L.
Identifiers: ClinVar variation 2076826 (VCV002076826.4), dbSNP rs2502454076, ClinGen allele CA389223550.

ClinVar aggregate classification (germline): Uncertain significance (1 of 4 stars; one submission).

Conditions:
Dyskeratosis congenita. Identifiers: Orphanet 1775, MedGen C0265965, MONDO:0015780.

Submission:

Labcorp Genetics (formerly Invitae), Labcorp
Classification: Uncertain significance for Dyskeratosis congenita. Last evaluated: 2022-07-30. Review status: criteria provided, single submitter. Criteria: Invitae Variant Classification Sherloc (09022015). Collection method: clinical testing. Allele origin: germline.
Comment: Algorithms developed to predict the effect of missense changes on protein structure and function (SIFT, PolyPhen-2, Align-GVGD) all suggest that this variant is likely to be tolerated. In summary, the available evidence is currently insufficient to determine the role of this variant in disease. Therefore, it has been classified as a Variant of Uncertain Significance. This variant has not been reported in the literature in individuals affected with TINF2-related conditions. This variant is not present in population databases (gnomAD no frequency). This sequence change replaces valine, which is neutral and non-polar, with leucine, which is neutral and non-polar, at codon 345 of the TINF2 protein (p.Val345Leu).